The following is an entry in ClinVar:

ClinVar aggregate classification (germline): Likely benign (1 of 4 stars; one submission).

Allele frequency attached by ClinVar (database versions not stated): gnomAD 0.00005; gnomAD exomes 0.00005; TOPMed 0.00006; ExAC 0.00008.
gnomAD v4.1: 62 of 1,209,618 alleles (0.0051%); highest among the groups gnomAD compares: East Asian, 0.11%; no homozygotes.

Submission:

CeGaT Center for Human Genetics Tuebingen
Classification: Likely benign. Last evaluated: 2023-02-01. Review status: criteria provided, single submitter. Criteria: CeGaT Center For Human Genetics Tuebingen Variant Classification Criteria Version 2. Collection method: clinical testing. Allele origin: germline. Affected: yes. Observed: 1 variant allele.
Comment: MXRA5: BP4, BP7, BS2

NM_015419.4(MXRA5):c.2853G>A (p.Ser951=)

Gene: MXRA5 (matrix remodeling associated 5; minus strand). Cytogenetic location: Xp22.33.
Variant type: single nucleotide variant.
Coding change: c.2853G>A on transcript NM_015419.4 (MANE Select); coding-DNA position 2853, G replaced by A.
Protein change: p.Ser951=; no amino-acid change (serine 951 retained).
Molecular consequence: synonymous variant.
Genome position (GRCh38, 1-based): chrX:3,322,832, C>T on the plus strand (G>A on the coding strand, the complement: MXRA5 is on the minus strand). VCF-style: chrX-3322832-C-T. GRCh37 (hg19) VCF-style: chrX-3240873-C-T.
Identifiers: ClinVar variation 2659884 (VCV002659884.24), dbSNP rs754749263, ClinGen allele CA10340114.